The following is an entry in ClinVar:

NM_001257096.2(PAX1):c.247C>T (p.His83Tyr)

Gene: PAX1 (paired box 1; plus strand). Cytogenetic location: 20p11.22.
Variant type: single nucleotide variant.
Coding change: c.247C>T on transcript NM_001257096.2 (MANE Select); coding-DNA position 247, C replaced by T.
Protein change: p.His83Tyr; replaces histidine 83 with tyrosine.
Molecular consequence: missense variant.
Genome position (GRCh38, 1-based): chr20:21,705,959, C>T. VCF-style: chr20-21705959-C-T. GRCh37 (hg19) VCF-style: chr20-21686597-C-T.
Other names: c.247C>T, p.His83Tyr (NM_006192.5); short protein forms H83Y.
Identifiers: ClinVar variation 1433280 (VCV001433280.3), dbSNP rs1011288037, ClinGen allele CA313027391.
Genomic context (GRCh38, chr20:21,705,959, plus strand): 5'-GGCGGCGGCGGCGCCCAAGCTCTCCCGGACTGCGCCGGGCCCAGCCCCGGCCACCCCGGC[C>T]ACCCCGGCGCCAGGCAGCTGGCCGGCCCGCTCGCTATGGGTAAGGGGCGGGCGACAGGCA-3'
Protein context (NP_001244025.1, residues 73-93): CAGPSPGHPG[His83Tyr]PGARQLAGPL

ClinVar aggregate classification (germline): Uncertain significance (1 of 4 stars; one submission).

Allele frequency attached by ClinVar (database versions not stated): gnomAD exomes 0.00002; gnomAD 0.00012 and 0.00013.

Submission:

Labcorp Genetics (formerly Invitae), Labcorp
Classification: Uncertain significance. Last evaluated: 2022-06-19. Review status: criteria provided, single submitter. Criteria: Invitae Variant Classification Sherloc (09022015). Collection method: clinical testing. Allele origin: germline.
Comment: This sequence change replaces histidine, which is basic and polar, with tyrosine, which is neutral and polar, at codon 83 of the PAX1 protein (p.His83Tyr). This variant is present in population databases (no rsID available, gnomAD 0.03%). This variant has not been reported in the literature in individuals affected with PAX1-related conditions. Algorithms developed to predict the effect of missense changes on protein structure and function (SIFT, PolyPhen-2, Align-GVGD) all suggest that this variant is likely to be tolerated. In summary, the available evidence is currently insufficient to determine the role of this variant in disease. Therefore, it has been classified as a Variant of Uncertain Significance.